The following is an entry in ClinVar:

ClinVar aggregate classification (germline): Uncertain significance. Review status: criteria provided, multiple submitters, no conflicts (2 of 4 stars). 2 submissions from 2 submitters: Uncertain significance (2). Last evaluated 2025-11-20.

Conditions:
Charcot-Marie-Tooth disease type 2. Also called: Charcot-Marie-Tooth type 2. Identifiers: Orphanet 64746, MedGen C0270914, MONDO:0018993.

Allele frequency attached by ClinVar (database versions not stated): gnomAD exomes below 0.00001; TOPMed below 0.00001; gnomAD 0.00001.

Submissions (2):

Ambry Genetics
Classification: Uncertain significance. Last evaluated: 2025-11-20. Review status: criteria provided, single submitter. Criteria: Ambry Variant Classification Scheme 2023. Collection method: clinical testing. Allele origin: germline.

Labcorp Genetics (formerly Invitae), Labcorp
Classification: Uncertain significance for Charcot-Marie-Tooth disease type 2. Last evaluated: 2021-03-15. Review status: criteria provided, single submitter. Criteria: Invitae Variant Classification Sherloc (09022015). Collection method: clinical testing. Allele origin: germline.
Comment: In summary, the available evidence is currently insufficient to determine the role of this variant in disease. Therefore, it has been classified as a Variant of Uncertain Significance. Algorithms developed to predict the effect of missense changes on protein structure and function (SIFT, PolyPhen-2, Align-GVGD) all suggest that this variant is likely to be tolerated, but these predictions have not been confirmed by published functional studies and their clinical significance is uncertain. This variant has not been reported in the literature in individuals with GARS-related conditions. The frequency data for this variant in the population databases is considered unreliable, as metrics indicate insufficient coverage at this position in the ExAC database. This sequence change replaces proline with leucine at codon 42 of the GARS protein (p.Pro42Leu). The proline residue is weakly conserved and there is a moderate physicochemical difference between proline and leucine.

NM_002047.4(GARS1):c.125C>T (p.Pro42Leu)

Gene: GARS1 (glycyl-tRNA synthetase 1; plus strand). Cytogenetic location: 7p14.3.
Variant type: single nucleotide variant.
Coding change: c.125C>T on transcript NM_002047.4 (MANE Select); coding-DNA position 125, C replaced by T.
Protein change: p.Pro42Leu; replaces proline 42 with leucine.
Molecular consequence: missense variant. On other transcripts: 5 prime UTR variant (1).
Genome position (GRCh38, 1-based): chr7:30,595,046, C>T. VCF-style: chr7-30595046-C-T. GRCh37 (hg19) VCF-style: chr7-30634662-C-T.
Other names: c.-38C>T (NM_001316772.1); c.125C>T (NM_002047.2); short protein forms P42L.
Identifiers: ClinVar variation 1680880 (VCV001680880.9), dbSNP rs1316245045, ClinGen allele CA367138585.
Genomic context (GRCh38, chr7:30,595,046, plus strand): 5'-CCCGGCTCTTAGCCCGACCCTCGCTCCTGCTCCGCCGGTCCCTCAGCGCGGCCTCCTGCC[C>T]CCCGATCTCCTTGCCCGCCGCCGCCTCCCGGAGCAGCATGGACGGCGCGGGGGCTGAGGA-3'
Protein context (NP_002038.2, residues 32-52): LRRSLSAASC[Pro42Leu]PISLPAAASR